The following is an entry in ClinVar:

NM_002878.4(RAD51D):c.877G>T (p.Ala293Ser)

Genes: RAD51L3-RFFL (RAD51L3-RFFL readthrough; minus strand), RAD51D (RAD51 paralog D; minus strand). Cytogenetic location: 17q12.
Variant type: single nucleotide variant.
Coding change: c.877G>T on transcript NM_002878.4 (MANE Select); coding-DNA position 877, G replaced by T.
Protein change: p.Ala293Ser; replaces alanine 293 with serine.
Molecular consequence: missense variant. On other transcripts: non-coding transcript variant (3).
Genome position (GRCh38, 1-based): chr17:35,101,227, C>A on the plus strand (G>T on the coding strand, the complement: RAD51D is on the minus strand). VCF-style: chr17-35101227-C-A. GRCh37 (hg19) VCF-style: chr17-33428246-C-A.
Other names: c.937G>T, p.Ala313Ser (NM_001142571.2); c.541G>T, p.Ala181Ser (NM_133629.3); short protein forms A181S, A293S, A313S.
Identifiers: ClinVar variation 1764639 (VCV001764639.2), dbSNP rs1555567073, ClinGen allele CA399086392.
Genomic context (GRCh38, chr17:35,101,227, plus strand): 5'-CAAGATTACTGGCATCTTCCTGGGGCTGGCTCACCTGTCGGGAAGATTTGGCCAGACACG[C>A]CATGCGCCGGCCGCCTGATGCTCCTGCTCCCTCGATGGTGTCCAGGAGAATCCGAGTGCT-3'
Protein context (NP_002869.3, residues 283-303): GAGASGGRRM[Ala293Ser]CLAKSSRQPT

ClinVar aggregate classification (germline): Uncertain significance (1 of 4 stars; one submission).

Conditions:
Hereditary cancer-predisposing syndrome. Also called: Neoplastic Syndromes, Hereditary; Tumor predisposition; Hereditary Cancer Syndrome; Hereditary neoplastic syndrome. Identifiers: Orphanet 140162, MedGen C0027672, MeSH D009386, MONDO:0015356.

Submission:

Ambry Genetics
Classification: Uncertain significance for Hereditary cancer-predisposing syndrome. Last evaluated: 2022-10-21. Review status: criteria provided, single submitter. Criteria: Ambry Variant Classification Scheme 2023. Collection method: clinical testing. Allele origin: germline.
Comment: The p.A293S variant (also known as c.877G>T), located in coding exon 9 of the RAD51D gene, results from a G to T substitution at nucleotide position 877. The alanine at codon 293 is replaced by serine, an amino acid with similar properties. This amino acid position is conserved. In addition, this alteration is predicted to be tolerated by in silico analysis. Since supporting evidence is limited at this time, the clinical significance of this alteration remains unclear.